The following is an entry in ClinVar:

ClinVar aggregate classification (germline): Uncertain significance (1 of 4 stars; one submission).

Conditions:
Wilson disease (WND). Also called: Wilson's disease. Identifiers: Orphanet 905, MedGen C0019202, MONDO:0010200, OMIM 277900. Disease mechanism: loss of function.

gnomAD v4.1: 1 of 1,614,180 alleles (0.000062%); highest among the groups gnomAD compares: Non-Finnish European, 0.000085%; no homozygotes.

Submission:

Labcorp Genetics (formerly Invitae), Labcorp
Classification: Uncertain significance for Wilson disease. Last evaluated: 2024-12-12. Review status: criteria provided, single submitter. Criteria: Invitae Variant Classification Sherloc (09022015). Collection method: clinical testing. Allele origin: germline.
Comment: This sequence change replaces alanine, which is neutral and non-polar, with valine, which is neutral and non-polar, at codon 598 of the ATP7B protein (p.Ala598Val). This variant is not present in population databases (gnomAD no frequency). This variant has not been reported in the literature in individuals affected with ATP7B-related conditions. Invitae Evidence Modeling of protein sequence and biophysical properties (such as structural, functional, and spatial information, amino acid conservation, physicochemical variation, residue mobility, and thermodynamic stability) indicates that this missense variant is not expected to disrupt ATP7B protein function with a negative predictive value of 80%. In summary, the available evidence is currently insufficient to determine the role of this variant in disease. Therefore, it has been classified as a Variant of Uncertain Significance.

NM_000053.4(ATP7B):c.1793C>T (p.Ala598Val)

Gene: ATP7B (ATPase copper transporting beta; minus strand). Cytogenetic location: 13q14.3.
Variant type: single nucleotide variant.
Coding change: c.1793C>T on transcript NM_000053.4 (MANE Select); coding-DNA position 1793, C replaced by T.
Protein change: p.Ala598Val; replaces alanine 598 with valine.
Molecular consequence: missense variant. On other transcripts: intron variant (3).
Genome position (GRCh38, 1-based): chr13:51,964,948, G>A on the plus strand (C>T on the coding strand, the complement: ATP7B is on the minus strand). VCF-style: chr13-51964948-G-A. GRCh37 (hg19) VCF-style: chr13-52539084-G-A.
Other names: c.1793C>T, p.Ala598Val (NM_001406516.1, NM_001406519.1, NM_001005918.3 and 24 more transcripts); c.1697C>T, p.Ala566Val (NM_001406517.1, NM_001406518.1, NM_001406530.1 and 3 more transcripts); c.1460C>T, p.Ala487Val (NM_001243182.2); c.1364C>T, p.Ala455Val (NM_001406539.1); c.1760C>T, p.Ala587Val (NM_001406524.1, NM_001406514.1); c.1285+8987C>T (NM_001406548.1); c.1707+3496C>T (NM_001406547.1, NM_001406545.1); short protein forms A455V, A487V, A566V, A587V, A598V.
Identifiers: ClinVar variation 3619141 (VCV003619141.2).
Genomic context (GRCh38, chr13:51,964,948, plus strand): 5'-ATATCCCGTGGACCGATAATTTCCGGGTCAAACTTAACAAGGGCTTTGCTGGTGGCAAGG[G>A]CAACGGAGGCATAAGTGATGCCATTTGTCCTCGTGAGTTTGGACTCTATGTTGTGGACAC-3'
Protein context (NP_000044.2, residues 588-608): RTNGITYASV[Ala598Val]LATSKALVKF